The following is an entry in ClinVar:

NM_015967.8(PTPN22):c.1991A>T (p.Lys664Ile)

Genes: AP4B1-AS1 (AP4B1 antisense RNA 1; plus strand), PTPN22 (protein tyrosine phosphatase non-receptor type 22; minus strand). Cytogenetic location: 1p13.2.
Variant type: single nucleotide variant.
Coding change: c.1991A>T on transcript NM_015967.8 (MANE Select); coding-DNA position 1991, A replaced by T.
Protein change: p.Lys664Ile; replaces lysine 664 with isoleucine.
Molecular consequence: missense variant. On other transcripts: intron variant (1).
Genome position (GRCh38, 1-based): chr1:113,834,343, T>A on the plus strand (A>T on the coding strand, the complement: PTPN22 is on the minus strand). VCF-style: chr1-113834343-T-A. GRCh37 (hg19) VCF-style: chr1-114376965-T-A.
Other names: c.1919A>T, p.Lys640Ile (NM_001308297.2); c.1826A>T, p.Lys609Ile (NM_012411.6); c.1941+50A>T (NM_001193431.3); short protein forms K609I, K640I, K664I.
Identifiers: ClinVar variation 4848248 (VCV004848248.1).
Genomic context (GRCh38, chr1:113,834,343, plus strand): 5'-AGTAGAGTCATTAAAAAATTATTGACCTTGCTTGGTCTAAGTATCACAGAGTCATCAAAT[T>A]TCTTTGGTTCAGATGTTCCACCCCATTCCAGTGATGTTCCAATTTTTACCTTCACAGCTG-3'
Protein context (NP_057051.4, residues 654-674): LEWGGTSEPK[Lys664Ile]FDDSVILRPS

ClinVar aggregate classification (germline): Uncertain significance (1 of 4 stars; one submission).

gnomAD v4.1: 5 of 1,613,920 alleles (0.00031%); highest among the groups gnomAD compares: Admixed American, 0.005%; no homozygotes.

Submission:

Women's Health and Genetics/Laboratory Corporation of America, LabCorp
Classification: Uncertain significance. Last evaluated: 2026-02-18. Review status: criteria provided, single submitter. Criteria: LabCorp Variant Classification Summary - May 2015. Collection method: clinical testing. Allele origin: germline.
Comment: Variant summary: PTPN22 c.1991A>T (p.Lys664Ile) results in a non-conservative amino acid change in the encoded protein sequence. Algorithms developed to predict the effect of missense changes on protein structure and function are either unavailable or do not agree on the potential impact of this missense change. The variant allele was found at a frequency of 8e-06 in 251402 control chromosomes. The available data on variant occurrences in the general population are insufficient to allow any conclusion about variant significance. To our knowledge, no occurrence of c.1991A>T in individuals affected with PTPN22-related conditions and no experimental evidence demonstrating its impact on protein function have been reported. No submitters have cited clinical-significance assessments for this variant to ClinVar. Based on the evidence outlined above, the variant was classified as uncertain significance.